The following is an entry in ClinVar:

ClinVar aggregate classification (germline): Conflicting classifications of pathogenicity. Review status: criteria provided, conflicting classifications (1 of 4 stars). 2 submissions from 2 submitters: Uncertain significance (1); Likely benign (1). Last evaluated 2025-05-22.

Conditions:
Familial thoracic aortic aneurysm and aortic dissection (TAAD). Also called: Thoracic aortic aneurysms and dissections. Identifiers: Orphanet 91387, MedGen C4707243, MONDO:0019625.

gnomAD v4.1: 1 of 1,613,878 alleles (0.000062%); highest among the groups gnomAD compares: African/African-American, 0.0013%; no homozygotes.

Submissions (2):

Labcorp Genetics (formerly Invitae), Labcorp
Classification: Likely benign for Familial thoracic aortic aneurysm and aortic dissection. Last evaluated: 2025-05-22. Review status: criteria provided, single submitter. Criteria: Invitae Variant Classification Sherloc (09022015). Collection method: clinical testing. Allele origin: germline.

Color Diagnostics, LLC DBA Color Health
Classification: Uncertain significance for Familial thoracic aortic aneurysm and aortic dissection. Last evaluated: 2019-08-11. Review status: criteria provided, single submitter. Criteria: ACMG Guidelines, 2015. Collection method: clinical testing. Allele origin: germline.
Comment: This variant is located in intron 6 of the TGFBR1 gene. Computational splicing tools and conservation analyses are inconclusive regarding the impact of this variant on RNA splicing. To our knowledge, RNA studies have not been performed for this variant nor has this variant been reported in individuals affected with cardiovascular disorders in the literature. This variant has not been identified in the general population by the Genome Aggregation Database (gnomAD). Available evidence is insufficient to determine the role of this variant in disease conclusively. Therefore, this variant is classified as a Variant of Uncertain Significance.

NM_004612.4(TGFBR1):c.1131-8T>G

Gene: TGFBR1 (transforming growth factor beta receptor 1; plus strand). Cytogenetic location: 9q22.33.
Variant type: single nucleotide variant.
Coding change: c.1131-8T>G on transcript NM_004612.4 (MANE Select); 8 bases into the intron before coding-DNA position 1131, T replaced by G.
Molecular consequence: intron variant.
Genome position (GRCh38, 1-based): chr9:99,146,477, T>G. VCF-style: chr9-99146477-T-G. GRCh37 (hg19) VCF-style: chr9-101908759-T-G.
Other names: c.1143-8T>G (NM_001306210.2); c.900-8T>G (NM_001130916.3).
Identifiers: ClinVar variation 923889 (VCV000923889.11), dbSNP rs1827799094, ClinGen allele CA1139661073.